The following is an entry in ClinVar:

NM_000059.4(BRCA2):c.7934_7935insGCAATTTGCTAAT (p.Cys2646fs)

Gene: BRCA2 (BRCA2 DNA repair associated; plus strand). Cytogenetic location: 13q13.1.
Variant type: Insertion.
Coding change: c.7934_7935insGCAATTTGCTAAT on transcript NM_000059.4 (MANE Select); coding-DNA positions 7934 to 7935, GCAATTTGCTAAT inserted.
Protein change: p.Cys2646fs; shifts the reading frame from cysteine 2646.
Molecular consequence: frameshift variant.
Genome position: GRCh38 VCF-style: chr13-32362651-G-GGCAATTTGCTAAT. GRCh37 (hg19) VCF-style: chr13-32936788-G-GGCAATTTGCTAAT.
Other names: c.7838_7839insGCAATTTGCTAAT, p.Cys2614Glnfs (NM_001406719.1); c.7934_7935insGCAATTTGCTAAT, p.Cys2646Glnfs (NM_001406720.1); c.3002_3003insGCAATTTGCTAAT, p.Cys1002Glnfs (NM_001406721.1); c.1517_1518insGCAATTTGCTAAT, p.Cys507Glnfs (NM_001406722.1); short protein forms C2646fs.
Identifiers: ClinVar variation 2099725 (VCV002099725.4), dbSNP rs2548545568, ClinGen allele CA2580087418.

ClinVar aggregate classification (germline): Pathogenic (1 of 4 stars; one submission).

Conditions:
Hereditary breast ovarian cancer syndrome. Also called: Hereditary breast and ovarian cancer; Hereditary breast and ovarian cancer syndrome; Breast and ovarian cancer; BRCA1- and BRCA2-Associated Hereditary Breast and Ovarian Cancer; Hereditary breast and/or ovarian cancer syndrome; Hereditary breast and ovarian cancer syndrome (HBOC). Identifiers: Orphanet 145, MedGen C0677776, MeSH D061325, MONDO:0003582. Disease mechanism: loss of function.

Submission:

Labcorp Genetics (formerly Invitae), Labcorp
Classification: Pathogenic for Hereditary breast ovarian cancer syndrome. Last evaluated: 2022-02-19. Review status: criteria provided, single submitter. Criteria: Invitae Variant Classification Sherloc (09022015). Collection method: clinical testing. Allele origin: germline.
Comment: This variant has not been reported in the literature in individuals affected with BRCA2-related conditions. For these reasons, this variant has been classified as Pathogenic. This variant is not present in population databases (gnomAD no frequency). This sequence change creates a premature translational stop signal (p.Cys2646Glnfs*20) in the BRCA2 gene. It is expected to result in an absent or disrupted protein product. Loss-of-function variants in BRCA2 are known to be pathogenic (PMID: 20104584).

Literature cited by the submitters: PubMed 20104584.